The following is an entry in ClinVar:

NM_003906.5(MCM3AP):c.1562C>G (p.Pro521Arg)

Gene: MCM3AP (minichromosome maintenance complex component 3 associated protein; minus strand). Cytogenetic location: 21q22.3.
Variant type: single nucleotide variant.
Coding change: c.1562C>G on transcript NM_003906.5 (MANE Select); coding-DNA position 1562, C replaced by G.
Protein change: p.Pro521Arg; replaces proline 521 with arginine.
Molecular consequence: missense variant.
Genome position (GRCh38, 1-based): chr21:46,280,098, G>C on the plus strand (C>G on the coding strand, the complement: MCM3AP is on the minus strand). VCF-style: chr21-46280098-G-C. GRCh37 (hg19) VCF-style: chr21-47700012-G-C.
Other names: short protein forms P521R.
Identifiers: ClinVar variation 1443990 (VCV001443990.4), dbSNP rs1381544615, ClinGen allele CA410529453.

ClinVar aggregate classification (germline): Uncertain significance (1 of 4 stars; one submission).

Allele frequency attached by ClinVar (database versions not stated): gnomAD exomes below 0.00001 and 0.00001; TOPMed below 0.00001; gnomAD 0.00001.
gnomAD v4.1: 3 of 1,614,054 alleles (0.00019%); highest among the groups gnomAD compares: Non-Finnish European, 0.00017%; no homozygotes.

Submission:

Labcorp Genetics (formerly Invitae), Labcorp
Classification: Uncertain significance. Last evaluated: 2021-10-23. Review status: criteria provided, single submitter. Criteria: Invitae Variant Classification Sherloc (09022015). Collection method: clinical testing. Allele origin: germline.
Comment: In summary, the available evidence is currently insufficient to determine the role of this variant in disease. Therefore, it has been classified as a Variant of Uncertain Significance. Algorithms developed to predict the effect of missense changes on protein structure and function are either unavailable or do not agree on the potential impact of this missense change (SIFT: "Tolerated"; PolyPhen-2: "Possibly Damaging"; Align-GVGD: "Class C0"). This variant has not been reported in the literature in individuals affected with MCM3AP-related conditions. This variant is not present in population databases (ExAC no frequency). This sequence change replaces proline with arginine at codon 521 of the MCM3AP protein (p.Pro521Arg). The proline residue is weakly conserved and there is a moderate physicochemical difference between proline and arginine.